The following is an entry in ClinVar:

NM_001130144.3(LTBP3):c.2564G>C (p.Gly855Ala)

Gene: LTBP3 (latent transforming growth factor beta binding protein 3; minus strand). Cytogenetic location: 11q13.1.
Variant type: single nucleotide variant.
Coding change: c.2564G>C on transcript NM_001130144.3 (MANE Select); coding-DNA position 2564, G replaced by C.
Protein change: p.Gly855Ala; replaces glycine 855 with alanine.
Molecular consequence: missense variant.
Genome position (GRCh38, 1-based): chr11:65,543,137, C>G on the plus strand (G>C on the coding strand, the complement: LTBP3 is on the minus strand). VCF-style: chr11-65543137-C-G. GRCh37 (hg19) VCF-style: chr11-65310608-C-G.
Other names: c.2213G>C, p.Gly738Ala (NM_001164266.1); c.2564G>C, p.Gly855Ala (NM_021070.4); short protein forms G738A, G855A.
Identifiers: ClinVar variation 1311177 (VCV001311177.5), dbSNP rs937188963, ClinGen allele CA223961879.

ClinVar aggregate classification (germline): Uncertain significance. Review status: criteria provided, multiple submitters, no conflicts (2 of 4 stars). 2 submissions from 2 submitters: Uncertain significance (2). Last evaluated 2024-10-29.

Conditions:
Brachyolmia-amelogenesis imperfecta syndrome. Also called: PLATYSPONDYLY WITH AMELOGENESIS IMPERFECTA; Tooth agenesis, selective, 6; Dental anomalies and short stature. Identifiers: Orphanet 2899, MedGen C1832594, MONDO:0011018, OMIM 601216. Disease mechanism: loss of function.

Allele frequency attached by ClinVar (database versions not stated): TOPMed below 0.00001; gnomAD 0.00001.
gnomAD v4.1: 1 of 1,614,038 alleles (0.000062%); highest among the groups gnomAD compares: African/African-American, 0.0013%; no homozygotes.

Submissions (2):

Labcorp Genetics (formerly Invitae), Labcorp
Classification: Uncertain significance for Brachyolmia-amelogenesis imperfecta syndrome. Last evaluated: 2024-10-29. Review status: criteria provided, single submitter. Criteria: Invitae Variant Classification Sherloc (09022015). Collection method: clinical testing. Allele origin: germline.
Comment: This sequence change replaces glycine, which is neutral and non-polar, with alanine, which is neutral and non-polar, at codon 855 of the LTBP3 protein (p.Gly855Ala). This variant is not present in population databases (gnomAD no frequency). This variant has not been reported in the literature in individuals affected with LTBP3-related conditions. ClinVar contains an entry for this variant (Variation ID: 1311177). An algorithm developed to predict the effect of missense changes on protein structure and function (PolyPhen-2) suggests that this variant is likely to be disruptive. In summary, the available evidence is currently insufficient to determine the role of this variant in disease. Therefore, it has been classified as a Variant of Uncertain Significance.

GeneDx
Classification: Uncertain significance. Last evaluated: 2019-12-31. Review status: criteria provided, single submitter. Criteria: GeneDx Variant Classification Process June 2021. Collection method: clinical testing. Allele origin: germline. Affected: yes.
Comment: Not observed in large population cohorts (Lek et al., 2016); In silico analysis, which includes protein predictors and evolutionary conservation, supports a deleterious effect; Has not been previously published as pathogenic or benign to our knowledge